The following is an entry in ClinVar:

ClinVar aggregate classification (germline): Uncertain significance (1 of 4 stars; one submission).

Allele frequency attached by ClinVar (database versions not stated): gnomAD exomes below 0.00001.
gnomAD v4.1: 2 of 1,613,862 alleles (0.00012%); highest among the groups gnomAD compares: South Asian, 0.0022%; no homozygotes.

Submission:

GeneDx
Classification: Uncertain significance. Last evaluated: 2022-10-09. Review status: criteria provided, single submitter. Criteria: GeneDx Variant Classification Process June 2021. Collection method: clinical testing. Allele origin: germline. Affected: yes.
Comment: Not observed at significant frequency in large population cohorts (gnomAD); In silico analysis supports that this missense variant does not alter protein structure/function; Has not been previously published as pathogenic or benign to our knowledge

NM_001205293.3(CACNA1E):c.6604A>G (p.Ser2202Gly)

Gene: CACNA1E (calcium voltage-gated channel subunit alpha1 E; plus strand). Cytogenetic location: 1q25.3.
Variant type: single nucleotide variant.
Coding change: c.6604A>G on transcript NM_001205293.3 (MANE Select); coding-DNA position 6604, A replaced by G.
Protein change: p.Ser2202Gly; replaces serine 2202 with glycine.
Molecular consequence: missense variant.
Genome position (GRCh38, 1-based): chr1:181,798,496, A>G. VCF-style: chr1-181798496-A-G. GRCh37 (hg19) VCF-style: chr1-181767632-A-G.
Other names: c.6475A>G, p.Ser2159Gly (NM_000721.4); c.6418A>G, p.Ser2140Gly (NM_001205294.2); short protein forms S2140G, S2159G, S2202G.
Identifiers: ClinVar variation 2497910 (VCV002497910.1), dbSNP rs2525531625, ClinGen allele CA343845128.